The following is an entry in ClinVar:

ClinVar aggregate classification (germline): Pathogenic/Likely pathogenic. Review status: criteria provided, multiple submitters, no conflicts (2 of 4 stars). 2 submissions from 2 submitters: Pathogenic (1); Likely pathogenic (1). Last evaluated 2024-06-11.

Conditions:
Autosomal recessive osteopetrosis 1. Also called: TCIRG1-Related Osteopetrosis; ALBERS-SCHONBERG DISEASE, AUTOSOMAL RECESSIVE; TCIRG1-Related Autosomal Recessive Osteopetrosis. Identifiers: Orphanet 667, MedGen C1850127, MONDO:0009815, OMIM 259700.

Submissions (2):

Natera, Inc.
Classification: Likely pathogenic for Infantile malignant osteopetrosis. Last evaluated: 2024-06-11. Review status: criteria provided, single submitter. Criteria: Natera Variant Classification Schema (03/2026). Collection method: clinical testing. Allele origin: germline.
Comment: The c.2177del variant in TCIRG1 is a frameshift variant predicted to shift the reading frame beginning at codon 726 and leads to a stop codon 15 codons downstream. This variant is expected to result in nonsense mediated decay, truncation, or a dysfunctional protein product. This variant is rare in the general population with a frequency below the threshold expected for the associated phenotype(s). Given the available evidence, this variant is classified as Likely Pathogenic.

Labcorp Genetics (formerly Invitae), Labcorp
Classification: Pathogenic. Last evaluated: 2023-07-17. Review status: criteria provided, single submitter. Criteria: Invitae Variant Classification Sherloc (09022015). Collection method: clinical testing. Allele origin: germline.
Comment: This variant is not present in population databases (gnomAD no frequency). This sequence change creates a premature translational stop signal (p.Gly726Alafs*15) in the TCIRG1 gene. It is expected to result in an absent or disrupted protein product. Loss-of-function variants in TCIRG1 are known to be pathogenic (PMID: 10888887, 10942435, 11532986, 19448635). For these reasons, this variant has been classified as Pathogenic. This variant has not been reported in the literature in individuals affected with TCIRG1-related conditions.

Literature cited by the submitters: PubMed 10888887 (cited by Labcorp Genetics (formerly Invitae), Labcorp); PubMed 10942435 (cited by Labcorp Genetics (formerly Invitae), Labcorp); PubMed 11532986 (cited by Labcorp Genetics (formerly Invitae), Labcorp); PubMed 19448635 (cited by Labcorp Genetics (formerly Invitae), Labcorp).

NM_006019.4(TCIRG1):c.2177del (p.Gly726fs)

Gene: TCIRG1 (T cell immune regulator 1, ATPase H+ transporting V0 subunit a3; plus strand). Cytogenetic location: 11q13.2.
Variant type: Deletion.
Coding change: c.2177del on transcript NM_006019.4 (MANE Select); coding-DNA position 2177, one base deleted (G; older notation c.2177delG).
Protein change: p.Gly726fs; shifts the reading frame from glycine 726.
Molecular consequence: frameshift variant.
Genome position (GRCh38, 1-based): chr11:68,050,195, G deleted; the last of 3 consecutive G bases (chr11:68,050,193-68,050,195); deleting any one gives the same sequence. VCF-style (leftmost placement, unchanged base first): chr11-68050192-TG-T. GRCh37 (hg19) VCF-style: chr11-67817659-TG-T.
Other names: c.2177del (NM_006019.3); c.1283del, p.Gly428fs (NM_001351059.2); c.1529del, p.Gly510fs (NM_006053.4); short protein forms G428fs, G726fs, G510fs.
Identifiers: ClinVar variation 2744267 (VCV002744267.4), dbSNP rs2495668180, ClinGen allele CA2697548734.
Genomic context (GRCh38, chr11:68,050,192, plus strand): 5'-CGCAGCTCGTCCCCTCCGAGGTGCTCATGCACCAGGCCATCCACACCATCGAGTTCTGCC[TG>T]GGCTGCGTCTCCAACACCGCCTCCTACCTGCGCCTGTGGGCCCTGAGCCTGGCCCACGCC-3'